The following is an entry in ClinVar:

ClinVar aggregate classification (germline): Uncertain significance (1 of 4 stars; one submission).

Submission:

Labcorp Genetics (formerly Invitae), Labcorp
Classification: Uncertain significance. Last evaluated: 2020-03-26. Review status: criteria provided, single submitter. Criteria: Invitae Variant Classification Sherloc (09022015). Collection method: clinical testing. Allele origin: germline.
Comment: In summary, the available evidence is currently insufficient to determine the role of this variant in disease. Therefore, it has been classified as a Variant of Uncertain Significance. Experimental studies and prediction algorithms are not available or were not evaluated, and the functional significance of this variant is currently unknown. This variant has not been reported in the literature in individuals with DVL3-related conditions. This variant is present in population databases (rs775552727, ExAC 0.008%). This variant, c.673_675del, results in the deletion of 1 amino acid(s) of the DVL3 protein (p.Lys225del), but otherwise preserves the integrity of the reading frame.

NM_004423.4(DVL3):c.673_675del (p.Lys225del)

Gene: DVL3 (dishevelled segment polarity protein 3; plus strand). Cytogenetic location: 3q27.1.
Variant type: Deletion.
Coding change: c.673_675del on transcript NM_004423.4 (MANE Select); coding-DNA positions 673 to 675, 3 bases deleted (AAG; older notation c.673_675delAAG).
Protein change: p.Lys225del; deletes lysine 225.
Molecular consequence: inframe deletion.
Genome position (GRCh38, 1-based): chr3:184,165,186-184,165,188, AAG deleted; deleting any 3 consecutive bases within chr3:184,165,184-184,165,188 gives the same sequence; the c. name uses the placement nearest the transcript's 3' end. VCF-style (leftmost placement, unchanged base first): chr3-184165183-CAGA-C. GRCh37 (hg19) VCF-style: chr3-183882971-CAGA-C.
Other names: short protein forms K225del.
Identifiers: ClinVar variation 1008245 (VCV001008245.5), dbSNP rs775552727, ClinGen allele CA2727191.